The following is an entry in ClinVar:

ClinVar aggregate classification (germline): Uncertain significance (1 of 4 stars; one submission).

Conditions:
TH-deficient dopa-responsive dystonia. Also called: Tyrosine Hydroxylase-Deficient Dopa-Responsive Dystonia; DYT-TH; Segawa syndrome, autosomal recessive. Identifiers: Orphanet 101150, MedGen C2673535, MONDO:0011551, OMIM 605407.

Allele frequency attached by ClinVar (database versions not stated): TOPMed 0.00001; ExAC 0.00001; gnomAD exomes 0.00001.

Submission:

Labcorp Genetics (formerly Invitae), Labcorp
Classification: Uncertain significance for TH-deficient dopa-responsive dystonia. Last evaluated: 2023-07-14. Review status: criteria provided, single submitter. Criteria: Invitae Variant Classification Sherloc (09022015). Collection method: clinical testing. Allele origin: germline.
Comment: This sequence change replaces glutamic acid, which is acidic and polar, with lysine, which is basic and polar, at codon 184 of the TH protein (p.Glu184Lys). This variant is present in population databases (rs754247629, gnomAD 0.002%). This variant has not been reported in the literature in individuals affected with TH-related conditions. ClinVar contains an entry for this variant (Variation ID: 664911). Advanced modeling of protein sequence and biophysical properties (such as structural, functional, and spatial information, amino acid conservation, physicochemical variation, residue mobility, and thermodynamic stability) has been performed at Invitae for this missense variant, however the output from this modeling did not meet the statistical confidence thresholds required to predict the impact of this variant on TH protein function. In summary, the available evidence is currently insufficient to determine the role of this variant in disease. Therefore, it has been classified as a Variant of Uncertain Significance.

NM_000360.4(TH):c.457G>A (p.Glu153Lys)

Gene: TH (tyrosine hydroxylase; minus strand). Cytogenetic location: 11p15.5.
Variant type: single nucleotide variant.
Coding change: c.457G>A on transcript NM_000360.4 (MANE Select); coding-DNA position 457, G replaced by A.
Protein change: p.Glu153Lys; replaces glutamic acid 153 with lysine.
Molecular consequence: missense variant.
Genome position (GRCh38, 1-based): chr11:2,168,521, C>T on the plus strand (G>A on the coding strand, the complement: TH is on the minus strand). VCF-style: chr11-2168521-C-T. GRCh37 (hg19) VCF-style: chr11-2189751-C-T.
Other names: c.550G>A, p.Glu184Lys (NM_199292.3); c.538G>A, p.Glu180Lys (NM_199293.3); short protein forms E153K, E180K, E184K.
Identifiers: ClinVar variation 664911 (VCV000664911.7), dbSNP rs754247629, ClinGen allele CA5818660.